The following is an entry in ClinVar:

NM_001204375.2(NPR3):c.691_692del (p.Thr231fs)

Genes: NPR3 (natriuretic peptide receptor 3; plus strand), LOC123493284 (Sharpr-MPRA regulatory region 158; plus strand). Cytogenetic location: 5p13.3.
Variant type: Microsatellite.
Coding change: c.691_692del on transcript NM_001204375.2 (MANE Select); coding-DNA positions 691 to 692, 2 bases deleted (AC; older notation c.691_692delAC).
Protein change: p.Thr231fs; shifts the reading frame from threonine 231.
Molecular consequence: frameshift variant. On other transcripts: intron variant (4).
Genome position (GRCh38, 1-based): chr5:32,712,467-32,712,468, AC deleted; deleting any 2 consecutive bases within chr5:32,712,464-32,712,468 gives the same sequence; the c. name uses the placement nearest the transcript's 3' end. VCF-style (leftmost placement, unchanged base first): chr5-32712463-GCA-G. GRCh37 (hg19) VCF-style: chr5-32712569-GCA-G.
Other names: c.691_692del, p.Thr231fs (NM_000908.4); c.50-12231_50-12230del (NM_001364458.2); c.121+1684_121+1685del (NM_001363652.2, NM_001204376.2, NM_001364460.2); short protein forms T231fs.
Identifiers: ClinVar variation 3024555 (VCV003024555.2).

ClinVar aggregate classification (germline): Likely pathogenic (1 of 4 stars; one submission).

Conditions:
Boudin-Mortier syndrome (BOMOS). Also called: Tall stature and long digits with extra epiphyses. Identifiers: MedGen C5561992, MONDO:0859194, OMIM 619543.

Submission:

Hacettepe Pediatric Genetics Laboratory, Hacettepe University
Classification: Likely pathogenic for Boudin-Mortier syndrome. Last evaluated: 2024-03-04. Review status: criteria provided, single submitter. Criteria: ACMG Guidelines, 2015. Collection method: clinical testing. Allele origin: germline. Inheritance: Autosomal recessive inheritance. Affected: yes. Observed: 1 homozygote.
Comment: Homozygous c.691_692del (p.Thr231ValfsTer24) variant in NPR3 gene is classified as “likely pathogenic” according to the ACMG 2015 criteria (PVS1, PM2) and absent in gnomAD browser.

Literature cited by the submitters: DOI 10.1038/gim.2015.30.